The following is an entry in ClinVar:

NM_152641.4(ARID2):c.4922+5A>G

Gene: ARID2 (AT-rich interaction domain 2; plus strand). Cytogenetic location: 12q12.
Variant type: single nucleotide variant.
Coding change: c.4922+5A>G on transcript NM_152641.4 (MANE Select); 5 bases into the intron after coding-DNA position 4922, A replaced by G.
Molecular consequence: intron variant.
Genome position (GRCh38, 1-based): chr12:45,860,954, A>G. VCF-style: chr12-45860954-A-G. GRCh37 (hg19) VCF-style: chr12-46254737-A-G.
Other names: c.4922+5A>G (NM_001347839.2).
Identifiers: ClinVar variation 3339556 (VCV003339556.1).

ClinVar aggregate classification (germline): Uncertain significance (1 of 4 stars; one submission).

gnomAD v4.1: 1 of 1,535,902 alleles (0.000065%); highest among the groups gnomAD compares: Admixed American, 0.0021%; no homozygotes.

Submission:

Women's Health and Genetics/Laboratory Corporation of America, LabCorp
Classification: Uncertain significance. Last evaluated: 2024-06-13. Review status: criteria provided, single submitter. Criteria: LabCorp Variant Classification Summary - May 2015. Collection method: clinical testing. Allele origin: germline.
Comment: Variant summary: ARID2 c.4922+5A>G alters a non-conserved nucleotide located close to a canonical splice site and therefore could affect mRNA splicing, leading to a significantly altered protein sequence. The variant was absent in 202704 control chromosomes. The available data on variant occurrences in the general population are insufficient to allow any conclusion about variant significance. To our knowledge, no occurrence of c.4922+5A>G in individuals affected with Coffin-Siris Syndrome 6 and no experimental evidence demonstrating its impact on protein function have been reported. No submitters have cited clinical-significance assessments for this variant to ClinVar. Based on the evidence outlined above, the variant was classified as uncertain significance.